The following is an entry in ClinVar:

ClinVar aggregate classification (germline): Uncertain significance. Review status: criteria provided, multiple submitters, no conflicts (2 of 4 stars). 3 submissions from 3 submitters: Uncertain significance (3). Last evaluated 2026-06-09.

Conditions:
Hereditary cancer-predisposing syndrome. Also called: Tumor predisposition; Hereditary neoplastic syndrome; Neoplastic Syndromes, Hereditary; Hereditary Cancer Syndrome. Identifiers: Orphanet 140162, MedGen C0027672, MeSH D009386, MONDO:0015356.
FH-related disorder. Also called: FH-related disorders; FH-related condition.

Allele frequency attached by ClinVar (database versions not stated): gnomAD 0.00001; gnomAD exomes 0.00001; TOPMed 0.00003.

Submissions (3):

Ambry Genetics
Classification: Uncertain significance for Hereditary cancer-predisposing syndrome. Last evaluated: 2026-06-09. Review status: criteria provided, single submitter. Criteria: Ambry Variant Classification Scheme 2023. Collection method: clinical testing. Allele origin: germline.
Comment: The p.R12C variant (also known as c.34C>T), located in coding exon 1 of the FH gene, results from a C to T substitution at nucleotide position 34. The arginine at codon 12 is replaced by cysteine, an amino acid with highly dissimilar properties. This variant was detected as heterozygous in individual(s) with no reported features of FH-related tumor predisposition (Ambry internal data).This amino acid position is not well conserved in available vertebrate species. In addition, the in silico prediction for this alteration is inconclusive. Based on the available evidence, the clinical significance of this variant remains unclear.

Labcorp Genetics (formerly Invitae), Labcorp
Classification: Uncertain significance. Last evaluated: 2025-05-21. Review status: criteria provided, single submitter. Criteria: Invitae Variant Classification Sherloc (09022015). Collection method: clinical testing. Allele origin: germline.
Comment: This sequence change replaces arginine, which is basic and polar, with cysteine, which is neutral and slightly polar, at codon 12 of the FH protein (p.Arg12Cys). This variant is present in population databases (rs199912971, gnomAD 0.01%). This variant has not been reported in the literature in individuals affected with FH-related conditions. ClinVar contains an entry for this variant (Variation ID: 838645). Invitae Evidence Modeling of protein sequence and biophysical properties (such as structural, functional, and spatial information, amino acid conservation, physicochemical variation, residue mobility, and thermodynamic stability) indicates that this missense variant is not expected to disrupt FH protein function with a negative predictive value of 95%. In summary, the available evidence is currently insufficient to determine the role of this variant in disease. Therefore, it has been classified as a Variant of Uncertain Significance.

PreventionGenetics, part of Exact Sciences
Classification: Uncertain significance for FH-related condition. Last evaluated: 2023-06-15. Review status: criteria provided, single submitter. Criteria: ACMG Guidelines, 2015. Collection method: clinical testing. Allele origin: germline.
Comment: The FH c.34C>T variant is predicted to result in the amino acid substitution p.Arg12Cys. This variant has been reported in an individual with breast cancer (Table S4, Sandoval et al. 2021. PubMed ID: 33606809). This variant is reported in 0.011% of alleles in individuals of African descent in gnomAD and is interpreted as uncertain in ClinVar. At this time, the clinical significance of this variant is uncertain due to the absence of conclusive functional and genetic evidence.

Literature cited by the submitters: PubMed 33606809 (cited by Ambry Genetics).

NM_000143.4(FH):c.34C>T (p.Arg12Cys)

Gene: FH (fumarate hydratase; minus strand). Cytogenetic location: 1q43.
Variant type: single nucleotide variant.
Coding change: c.34C>T on transcript NM_000143.4 (MANE Select); coding-DNA position 34, C replaced by T.
Protein change: p.Arg12Cys; replaces arginine 12 with cysteine.
Molecular consequence: missense variant.
Genome position (GRCh38, 1-based): chr1:241,519,689, G>A on the plus strand (C>T on the coding strand, the complement: FH is on the minus strand). VCF-style: chr1-241519689-G-A. GRCh37 (hg19) VCF-style: chr1-241682989-G-A.
Other names: short protein forms R12C.
Identifiers: ClinVar variation 838645 (VCV000838645.14), dbSNP rs199912971, ClinGen allele CA40338059.